The following is an entry in ClinVar:

NM_025114.4(CEP290):c.5998A>G (p.Ile2000Val)

Gene: CEP290 (centrosomal protein 290; minus strand). Cytogenetic location: 12q21.32.
Variant type: single nucleotide variant.
Coding change: c.5998A>G on transcript NM_025114.4 (MANE Select); coding-DNA position 5998, A replaced by G.
Protein change: p.Ile2000Val; replaces isoleucine 2000 with valine.
Molecular consequence: missense variant.
Genome position (GRCh38, 1-based): chr12:88,071,307, T>C on the plus strand (A>G on the coding strand, the complement: CEP290 is on the minus strand). VCF-style: chr12-88071307-T-C. GRCh37 (hg19) VCF-style: chr12-88465084-T-C.
Other names: NM_025114.4(CEP290):c.5998A>G; p.Ile2000Val; short protein forms I2000V.
Identifiers: ClinVar variation 281249 (VCV000281249.29), dbSNP rs183071230, ClinGen allele CA6711610.

ClinVar aggregate classification (germline): Uncertain significance. Review status: reviewed by expert panel (3 of 4 stars). 17 submissions from 13 submitters: Uncertain significance (1). 16 of the submissions do not count toward it. Last evaluated 2026-07-20.

Conditions:
CEP290-related ciliopathy. Also called: CEP290 ciliopathy. Identifiers: MedGen CN305601, MONDO:0100451.
Inborn genetic diseases. Identifiers: MedGen C0950123, MeSH D030342.
Nephronophthisis. Also called: Juvenile Nephronophthisis. Identifiers: Orphanet 655, MedGen C0687120, MONDO:0019005, HP:0000090.
Meckel-Gruber syndrome. Also called: DYSENCEPHALIA SPLANCHNOCYSTICA; GRUBER SYNDROME; Dysencephalia splachnocystica. Identifiers: Orphanet 564, MedGen C0265215, MONDO:0018921.
Joubert syndrome. Also called: Familial aplasia of the vermis; JOUBERT-BOLTSHAUSER SYNDROME. Identifiers: Orphanet 475, MedGen C5979921, MONDO:0018772.
CEP290-related disorder. Also called: CEP290-related condition; CEP290-related disorders. Identifiers: MedGen CN239314.
Retinal dystrophy. Also called: Inherited retinal dystrophy. Identifiers: Orphanet 71862, MedGen C0854723, MeSH D058499, MONDO:0019118, HP:0000556.
Bardet-Biedl syndrome 14 (BBS14). Identifiers: Orphanet 110, MedGen C2673874, MONDO:0014442, OMIM 615991.
Leber congenital amaurosis 10 (LCA10). Identifiers: Orphanet 65, MedGen C1857821, MONDO:0012723, OMIM 611755.
Joubert syndrome 5 (JBTS5). Identifiers: Orphanet 2318, MedGen C1857780, MONDO:0012432, OMIM 610188.
Senior-Loken syndrome 6 (SLSN6). Identifiers: Orphanet 3156, MedGen C1857779, MONDO:0012433, OMIM 610189.
Meckel syndrome, type 4 (MKS4). Also called: MECKEL-GRUBER SYNDROME, TYPE 4. Identifiers: Orphanet 564, MedGen C1970161, MONDO:0012626, OMIM 611134.
Leber congenital amaurosis (LCA). Also called: Leber's amaurosis. Identifiers: Orphanet 65, MedGen C0339527, MeSH D057130, MONDO:0018998.
Retinitis pigmentosa (RP). Identifiers: Orphanet 791, MedGen C0035334, MeSH D012174, MONDO:0019200, OMIM 268000. Inheritance: Autosomal dominant, autosomal recessive and X linked inheritance.

Allele frequency attached by ClinVar (database versions not stated): TOPMed 0.00007; gnomAD 0.00012 and 0.00015; gnomAD exomes 0.00012 and 0.00015; ExAC 0.00013; 1000 Genomes Project 30x 0.00016; 1000 Genomes Project 0.00020.
gnomAD v4.1: 194 of 1,604,948 alleles (0.012%); highest among the groups gnomAD compares: Middle Eastern, 0.2%; no homozygotes.

Submissions 1 to 12 of 17:

ClinGen Leber Congenital Amaurosis/early Onset Retinal Dystrophy Variant Curation Expert Panel, ClinGen
Classification: Uncertain significance for CEP290-related ciliopathy. Last evaluated: 2026-07-20. Review status: reviewed by expert panel. Criteria: ClinGen LCAeoRD ACMG Specifications CEP290 V1.0.0. Collection method: curation. Allele origin: germline. Inheritance: Autosomal recessive inheritance.
Comment: NM_025114.4(CEP290):c.5998A>G (p.Ile2000Val) is a missense variant that replaces isoleucine with valine at amino acid 2000. This variant is present in gnomAD v4.1.1 at a Grpmax allele frequency of 0.001149, with 12 alleles / 6,020 total alleles in the Middle Eastern population, which is lower than the ClinGen LCA/eoRD VCEP BS1 threshold of >0.0016. This variant is present in gnomAD v4.1.1 at a total allele frequency of 0.0001209, with 194 alleles / 1,604,948 total alleles, which is lower than the ClinGen LCA/eoRD VCEP PM2_Supporting threshold of <0.0006 (PM2_Supporting). This variant has been reported in at least 1 proband with renal anomalies and renal disease who harbored the variant in the compound heterozygous state, however, the proband was not counted for PM3 because sufficient phenotype details were not reported and because the NM_025114.4(CEP290):c.963T>A (p.Asp321Glu) variant suspected in trans has been classified as a VUS (PMID: 40718208). The variant has also been reported in at least 1 proband with a severe sperm motility disorder who harbored the variant in the compound heterozygous state, however, the proband was not counted for PM3 because sufficient details were not reported and because the NM_025114.4(CEP290):c.1092T>G (p.Ile364Met) variant suspected in trans has been classified as likely benign. The proband also harbored homozygous missense variants in several other candidate genes, but was not counted for BP5 because sufficient phenotype details were not reported and because this code is considered not applicable to CEP290 due to the high genetic heterogeneity and limited phenotypic specificities of retinal dystrophies (PMID: 34089056). The computational predictor CADD gives a PHRED score of 12.9, which is below the ClinGen LCA/eoRD VCEP threshold of <17.3 and predicts a non-damaging effect on CEP290 protein function. In addition, the splicing impact predictor SpliceAI gives a delta score of 0.00 for all splicing events, which is below the ClinGen LCA/eoRD VCEP recommended threshold of ≤0.1 and does not predict an impact on splicing (BP4). In summary, this variant meets the criteria to be classified as a Variant of Uncertain Significance for CEP290-related ciliopathy based on the ACMG/AMP criteria applied, as specified by the ClinGen LCA/eoRD VCEP: PM2_Supporting and BP4. (LCA/eoRD VCEP Specifications for CEP290 Version 1.0.0)

PreventionGenetics, part of Exact Sciences
Classification: Uncertain significance for CEP290-related condition. Last evaluated: 2026-08-17. Review status: criteria provided, single submitter. Criteria: ACMG Guidelines, 2015. Collection method: clinical testing. Allele origin: germline. Not counted in ClinVar's aggregate classification.
Comment: The CEP290 c.5998A>G variant is predicted to result in the amino acid substitution p.Ile2000Val. This variant was reported in an individual with nephronophthisis-associated ciliopathies and in an individual with sperm motility disorders; however, no additional studies were performed to assess the pathogenicity of this variant (Table S5, Halbritter et al. 2012. PubMed ID: 23188109; Oud et al. 2021. PubMed ID: 34089056). This variant is reported in 0.035% of alleles in individuals of European (Non-Finnish) descent in gnomAD, which may be too common to be a primary cause of disease. Although we suspect that this variant may be benign, at this time, the clinical significance of this variant is uncertain due to the absence of conclusive functional and genetic evidence.

Labcorp Genetics (formerly Invitae), Labcorp
Classification: Uncertain significance for Joubert syndrome; Meckel-Gruber syndrome; Nephronophthisis. Last evaluated: 2025-12-09. Review status: criteria provided, single submitter. Criteria: Invitae Variant Classification Sherloc (09022015). Collection method: clinical testing. Allele origin: germline. Not counted in ClinVar's aggregate classification.
Comment: This sequence change replaces isoleucine, which is neutral and non-polar, with valine, which is neutral and non-polar, at codon 2000 of the CEP290 protein (p.Ile2000Val). This variant is present in population databases (rs183071230, gnomAD 0.03%). This missense change has been observed in individuals with CEP290-related disease (internal data). ClinVar contains an entry for this variant (Variation ID: 281249). Invitae Evidence Modeling of protein sequence and biophysical properties (such as structural, functional, and spatial information, amino acid conservation, physicochemical variation, residue mobility, and thermodynamic stability) indicates that this missense variant is not expected to disrupt CEP290 protein function with a negative predictive value of 80%. In summary, the available evidence is currently insufficient to determine the role of this variant in disease. Therefore, it has been classified as a Variant of Uncertain Significance.

Blueprint Genetics
Classification: Uncertain significance. Last evaluated: 2024-10-02. Review status: criteria provided, single submitter. Criteria: ACMG Guidelines, 2015. Collection method: clinical testing. Allele origin: germline. Not counted in ClinVar's aggregate classification.

Fulgent Genetics
Classification: Uncertain significance for Joubert syndrome 5; Senior-Loken syndrome 6; Meckel syndrome, type 4; Leber congenital amaurosis 10; Bardet-Biedl syndrome 14. Last evaluated: 2024-04-30. Review status: criteria provided, single submitter. Criteria: ACMG Guidelines, 2015. Collection method: clinical testing. Allele origin: germline. Not counted in ClinVar's aggregate classification.

DBGen Ocular Genomics
Classification: Uncertain significance for Retinitis pigmentosa. Last evaluated: 2021-06-01. Review status: criteria provided, single submitter. Criteria: ACMG Guidelines, 2015. Collection method: clinical testing. Allele origin: germline. Affected: yes. Observed: 1 variant allele. Not counted in ClinVar's aggregate classification.

Illumina Laboratory Services, Illumina
Classification: Uncertain significance for Leber congenital amaurosis 10. Last evaluated: 2018-01-13. Review status: criteria provided, single submitter. Criteria: ICSL Variant Classification Criteria 13 December 2019. Collection method: clinical testing. Allele origin: germline. Not counted in ClinVar's aggregate classification.

Illumina Laboratory Services, Illumina
Classification: Uncertain significance for Joubert syndrome 5. Last evaluated: 2018-01-13. Review status: criteria provided, single submitter. Criteria: ICSL Variant Classification Criteria 13 December 2019. Collection method: clinical testing. Allele origin: germline. Not counted in ClinVar's aggregate classification.

Illumina Laboratory Services, Illumina
Classification: Uncertain significance for Senior-Loken syndrome 6. Last evaluated: 2018-01-13. Review status: criteria provided, single submitter. Criteria: ICSL Variant Classification Criteria 13 December 2019. Collection method: clinical testing. Allele origin: germline. Not counted in ClinVar's aggregate classification.

Illumina Laboratory Services, Illumina
Classification: Uncertain significance for Bardet-Biedl syndrome 14. Last evaluated: 2018-01-13. Review status: criteria provided, single submitter. Criteria: ICSL Variant Classification Criteria 13 December 2019. Collection method: clinical testing. Allele origin: germline. Not counted in ClinVar's aggregate classification.

Illumina Laboratory Services, Illumina
Classification: Uncertain significance for Meckel syndrome, type 4. Last evaluated: 2018-01-13. Review status: criteria provided, single submitter. Criteria: ICSL Variant Classification Criteria 13 December 2019. Collection method: clinical testing. Allele origin: germline. Not counted in ClinVar's aggregate classification.

Eurofins Ntd Llc (ga)
Classification: Uncertain significance. Last evaluated: 2016-03-29. Review status: criteria provided, single submitter. Criteria: EGL Classification Definitions 2015. Collection method: clinical testing. Allele origin: germline. Observed: 3 variant alleles, 2 heterozygotes, 1 homozygote. Not counted in ClinVar's aggregate classification.